The following is an entry in ClinVar:

ClinVar aggregate classification (germline): Uncertain significance. Review status: criteria provided, multiple submitters, no conflicts (2 of 4 stars). 2 submissions from 2 submitters: Uncertain significance (2). Last evaluated 2026-08-11.

Conditions:
Asphyxiating thoracic dystrophy 3. Also called: Short rib polydactyly syndrome 2B; SHORT-RIB THORACIC DYSPLASIA 3 WITH OR WITHOUT POLYDACTYLY; POLYDACTYLY WITH NEONATAL CHONDRODYSTROPHY, TYPE I; SHORT-RIB THORACIC DYSPLASIA 3/6 WITH POLYDACTYLY, DIGENIC; Saldino-Noonan Syndrome. Identifiers: Orphanet 474, Orphanet 93269, Orphanet 93270, Orphanet 93271, MedGen C0036069, MONDO:0013127, OMIM 613091.

gnomAD v4.1: 9 of 1,504,902 alleles (0.0006%); highest among the groups gnomAD compares: Non-Finnish European, 0.00062%; no homozygotes.

Submissions (2):

Myriad Genetics, Inc.
Classification: Uncertain significance for Asphyxiating thoracic dystrophy 3. Last evaluated: 2026-08-11. Review status: criteria provided, single submitter. Criteria: Myriad Autosomal Dominant, Autosomal Recessive and X-Linked Classification Criteria (2023). Collection method: clinical testing. Allele origin: unknown.
Comment: NM_001377.2(DYNC2H1):c.3303-16A>G is an intronic variant classified as a variant of uncertain significance in the context of DYNC2H1-related disorders. c.3303-16A>G has been observed in a case with relevant disease (PMID: 39361243). Relevant functional assessments of this variant are available in the literature (PMID: 39361243). c.3303-16A>G has not been observed in referenced population frequency databases. In summary, there is insufficient evidence to classify NM_001377.2(DYNC2H1):c.3303-16A>G as pathogenic or benign. Please note: this variant was assessed in the context of healthy population screening.

Laboratorio de Genetica e Diagnostico Molecular, Hospital Israelita Albert Einstein
Classification: Uncertain significance for Asphyxiating thoracic dystrophy 3. Last evaluated: 2026-01-23. Review status: criteria provided, single submitter. Criteria: ACMG Guidelines, 2015. Collection method: clinical testing. Allele origin: germline. Affected: yes.
Comment: ACMG classification criteria: PM2 supporting, PP3 supporting

Literature cited by the submitters: PubMed 39361243 (cited by Myriad Genetics, Inc.).

NM_001377.3(DYNC2H1):c.3303-16A>G

Gene: DYNC2H1 (dynein cytoplasmic 2 heavy chain 1; plus strand). Cytogenetic location: 11q22.3.
Variant type: single nucleotide variant.
Coding change: c.3303-16A>G on transcript NM_001377.3 (MANE Select); 16 bases into the intron before coding-DNA position 3303, A replaced by G.
Molecular consequence: intron variant.
Genome position (GRCh38, 1-based): chr11:103,154,435, A>G. VCF-style: chr11-103154435-A-G. GRCh37 (hg19) VCF-style: chr11-103025164-A-G.
Other names: c.3303-16A>G (NM_001080463.2).
Identifiers: ClinVar variation 4846781 (VCV004846781.2).